The following is an entry in ClinVar:

NM_000548.5(TSC2):c.1725G>T (p.Leu575=)

Gene: TSC2 (TSC complex subunit 2; plus strand). Cytogenetic location: 16p13.3.
Variant type: single nucleotide variant.
Coding change: c.1725G>T on transcript NM_000548.5 (MANE Select); coding-DNA position 1725, G replaced by T.
Protein change: p.Leu575=; no amino-acid change (leucine 575 retained).
Molecular consequence: synonymous variant.
Genome position (GRCh38, 1-based): chr16:2,070,464, G>T. VCF-style: chr16-2070464-G-T. GRCh37 (hg19) VCF-style: chr16-2120465-G-T.
Other names: c.1725G>T, p.Leu575= (NM_001077183.3, NM_001114382.3, NM_001363528.2 and 3 more transcripts); c.1614G>T, p.Leu538= (NM_001318827.2); c.1578G>T, p.Leu526= (NM_001318829.2); c.1125G>T, p.Leu375= (NM_001318831.2); c.1758G>T, p.Leu586= (NM_001318832.2).
Identifiers: ClinVar variation 1582134 (VCV001582134.10), dbSNP rs747173035, ClinGen allele CA492949665.

ClinVar aggregate classification (germline): Benign/Likely benign. Review status: criteria provided, multiple submitters, no conflicts (2 of 4 stars). 3 submissions from 3 submitters: Benign (1); Likely benign (2). Last evaluated 2026-08-01.

Conditions:
Tuberous sclerosis 2 (TSC2). Identifiers: Orphanet 805, MedGen C1860707, MONDO:0013199, OMIM 613254.

gnomAD v4.1: 1 of 1,613,368 alleles (0.000062%); highest among the groups gnomAD compares: East Asian, 0.0022%; no homozygotes.

Submissions (3):

CeGaT Center for Human Genetics Tuebingen
Classification: Likely benign. Last evaluated: 2026-08-01. Review status: criteria provided, single submitter. Criteria: CeGaT Center For Human Genetics Tuebingen Variant Classification Criteria Version 2. Collection method: clinical testing. Allele origin: germline. Affected: yes. Observed: 1 variant allele.
Comment: TSC2: BP4, BP7

Myriad Genetics, Inc.
Classification: Benign for Tuberous sclerosis 2. Last evaluated: 2025-05-15. Review status: criteria provided, single submitter. Criteria: Myriad Autosomal Dominant, Autosomal Recessive and X-Linked Classification Criteria (2023). Collection method: clinical testing. Allele origin: unknown.
Comment: This variant is considered benign. This variant is a silent/synonymous amino acid change and it is not expected to impact splicing.

Labcorp Genetics (formerly Invitae), Labcorp
Classification: Likely benign for Tuberous sclerosis 2. Last evaluated: 2024-10-15. Review status: criteria provided, single submitter. Criteria: Invitae Variant Classification Sherloc (09022015). Collection method: clinical testing. Allele origin: germline.